The following is an entry in ClinVar:

ClinVar aggregate classification (germline): Likely benign. Review status: reviewed by expert panel (3 of 4 stars). 12 submissions from 12 submitters: Likely benign (1). 11 of the submissions do not count toward it. Last evaluated 2017-06-29.

Conditions:
BRCA1-related disorder. Also called: BRCA1-related condition.
Breast-ovarian cancer, familial, susceptibility to, 1 (BROVCA1). Also called: OVARIAN CANCER, SUSCEPTIBILITY TO; BRCA1 Hereditary Breast and Ovarian Cancer. Identifiers: Orphanet 145, MedGen C2676676, MONDO:0011450, OMIM 604370. Disease mechanism: loss of function.
Fanconi anemia, complementation group S (FANCS). Identifiers: MedGen C4554406, MONDO:0054748, OMIM 617883.
Familial cancer of breast. Also called: hereditary breast carcinoma; BREAST CANCER, FAMILIAL; Hereditary breast cancer. Identifiers: Orphanet 227535, MedGen C0346153, MONDO:0016419, OMIM 114480. Disease mechanism: loss of function.
Hereditary cancer-predisposing syndrome. Also called: Tumor predisposition; Neoplastic Syndromes, Hereditary; Hereditary Cancer Syndrome; Hereditary neoplastic syndrome. Identifiers: Orphanet 140162, MedGen C0027672, MeSH D009386, MONDO:0015356.
Hereditary breast ovarian cancer syndrome. Also called: Hereditary breast and ovarian cancer; Hereditary breast and ovarian cancer syndrome (HBOC); Breast and ovarian cancer; Hereditary breast and/or ovarian cancer syndrome; BRCA1- and BRCA2-Associated Hereditary Breast and Ovarian Cancer; Hereditary breast and ovarian cancer syndrome. Identifiers: Orphanet 145, MedGen C0677776, MeSH D061325, MONDO:0003582. Disease mechanism: loss of function.

Allele frequency attached by ClinVar (database versions not stated): gnomAD 0.00005 and 0.00004; ESP Exome Variant Server 0.00008; gnomAD exomes 0.00001; ExAC 0.00002; TOPMed 0.00004.
gnomAD v4.1: 24 of 1,613,830 alleles (0.0015%); highest among the groups gnomAD compares: African/African-American, 0.012%; no homozygotes.

Submissions (12):

Evidence-based Network for the Interpretation of Germline Mutant Alleles (ENIGMA)
Classification: Likely benign for Breast-ovarian cancer, familial, susceptibility to, 1. Last evaluated: 2017-06-29. Review status: reviewed by expert panel. Criteria: ENIGMA BRCA1/2 Classification Criteria (2017-06-29). Collection method: curation. Allele origin: germline.
Comment: Synonymous substitution variant, with low bioinformatic likelihood to result in a splicing aberration (Splicing prior probability 0.02).

Labcorp Genetics (formerly Invitae), Labcorp
Classification: Likely benign for Hereditary breast ovarian cancer syndrome. Last evaluated: 2025-11-23. Review status: criteria provided, single submitter. Criteria: Invitae Variant Classification Sherloc (09022015). Collection method: clinical testing. Allele origin: germline. Not counted in ClinVar's aggregate classification.

Quest Diagnostics Nichols Institute San Juan Capistrano
Classification: Likely benign. Last evaluated: 2025-04-28. Review status: criteria provided, single submitter. Criteria: Quest Diagnostics criteria. Collection method: clinical testing. Allele origin: unknown. Not counted in ClinVar's aggregate classification.

Mayo Clinic Laboratories, Mayo Clinic
Classification: Likely benign. Last evaluated: 2025-02-28. Review status: criteria provided, single submitter. Criteria: ACMG Guidelines, 2015. Collection method: clinical testing. Allele origin: germline. Observed: 1 variant allele. Not counted in ClinVar's aggregate classification.
Comment: BP4, BP7

CeGaT Center for Human Genetics Tuebingen
Classification: Likely benign. Last evaluated: 2024-12-01. Review status: criteria provided, single submitter. Criteria: CeGaT Center For Human Genetics Tuebingen Variant Classification Criteria Version 2. Collection method: clinical testing. Allele origin: germline. Affected: yes. Observed: 1 variant allele. Not counted in ClinVar's aggregate classification.
Comment: BRCA1: BP4, BP7

Women's Health and Genetics/Laboratory Corporation of America, LabCorp
Classification: Likely benign. Last evaluated: 2024-03-31. Review status: criteria provided, single submitter. Criteria: LabCorp Variant Classification Summary - May 2015. Collection method: clinical testing. Allele origin: germline. Not counted in ClinVar's aggregate classification.

Department of Pathology and Laboratory Medicine, Sinai Health System
Classification: Likely benign for Familial cancer of breast; Breast-ovarian cancer, familial, susceptibility to, 1; Fanconi anemia, complementation group S. Last evaluated: 2022-07-11. Review status: criteria provided, single submitter. Criteria: ACMG Guidelines, 2015. Collection method: clinical testing. Allele origin: germline. Affected: yes. Not counted in ClinVar's aggregate classification.

Blueprint Genetics
Classification: Likely benign. Last evaluated: 2021-02-17. Review status: criteria provided, single submitter. Criteria: ACMG Guidelines, 2015. Collection method: clinical testing. Allele origin: germline. Not counted in ClinVar's aggregate classification.

GeneDx
Classification: Likely benign. Last evaluated: 2018-02-07. Review status: criteria provided, single submitter. Criteria: GeneDx Variant Classification (06012015). Collection method: clinical testing. Allele origin: germline. Affected: yes. Not counted in ClinVar's aggregate classification.
Comment: This variant is considered likely benign or benign based on one or more of the following criteria: it is a conservative change, it occurs at a poorly conserved position in the protein, it is predicted to be benign by multiple in silico algorithms, and/or has population frequency not consistent with disease.

Color Diagnostics, LLC DBA Color Health
Classification: Likely benign for Hereditary cancer-predisposing syndrome. Last evaluated: 2017-03-24. Review status: criteria provided, single submitter. Criteria: ACMG Guidelines, 2015. Collection method: clinical testing. Allele origin: germline. Not counted in ClinVar's aggregate classification.

Ambry Genetics
Classification: Likely benign for Hereditary cancer-predisposing syndrome. Last evaluated: 2015-02-11. Review status: criteria provided, single submitter. Criteria: Ambry Variant Classification Scheme 2023. Collection method: clinical testing. Allele origin: germline. Not counted in ClinVar's aggregate classification.

PreventionGenetics, part of Exact Sciences
Classification: Likely benign for BRCA1-related condition. Last evaluated: 2019-03-04. Review status: no assertion criteria provided. Collection method: clinical testing. Allele origin: germline. Not counted in ClinVar's aggregate classification.
Comment: This variant is classified as likely benign based on ACMG/AMP sequence variant interpretation guidelines (Richards et al. 2015 PMID: 25741868, with internal and published modifications).

Literature cited by the submitters: PubMed 30287823 (cited by Quest Diagnostics Nichols Institute San Juan Capistrano); PubMed 30254663 (cited by Quest Diagnostics Nichols Institute San Juan Capistrano); PubMed 16267036 (cited by Quest Diagnostics Nichols Institute San Juan Capistrano and Women's Health and Genetics/Laboratory Corporation of America, LabCorp); PubMed 24607278 (cited by Quest Diagnostics Nichols Institute San Juan Capistrano and Women's Health and Genetics/Laboratory Corporation of America, LabCorp).

NM_007294.4(BRCA1):c.2883C>T (p.Asn961=)

Gene: BRCA1 (BRCA1 DNA repair associated; minus strand). Cytogenetic location: 17q21.31.
Variant type: single nucleotide variant.
Coding change: c.2883C>T on transcript NM_007294.4 (MANE Select); coding-DNA position 2883, C replaced by T.
Protein change: p.Asn961=; no amino-acid change (asparagine 961 retained).
Molecular consequence: synonymous variant. On other transcripts: intron variant (137).
Genome position (GRCh38, 1-based): chr17:43,092,648, G>A on the plus strand (C>T on the coding strand, the complement: BRCA1 is on the minus strand). VCF-style: chr17-43092648-G-A. GRCh37 (hg19) VCF-style: chr17-41244665-G-A.
Other names: p.Asn961=; c.2670C>T, p.Asn890= (NM_001407571.1, NM_001407853.1, NM_001407894.1 and 9 more transcripts); c.2883C>T, p.Asn961= (NM_001407581.1, NM_001407582.1, NM_001407583.1 and 30 more transcripts); c.2880C>T, p.Asn960= (NM_001407587.1, NM_001407590.1, NM_001407591.1 and 22 more transcripts); c.2874C>T, p.Asn958= (NM_001407646.1, NM_001407647.1); c.2760C>T, p.Asn920= (NM_001407648.1, NM_001407664.1, NM_001407665.1 and 19 more transcripts); c.2757C>T, p.Asn919= (NM_001407649.1, NM_001407670.1, NM_001407671.1 and 11 more transcripts); c.2805C>T, p.Asn935= (NM_001407653.1, NM_001407654.1, NM_001407655.1 and 4 more transcripts); and 42 more.
Identifiers: ClinVar variation 184402 (VCV000184402.41), dbSNP rs201190540, ClinGen allele CA001880.